The following is an entry in ClinVar:

ClinVar aggregate classification (germline): Benign; risk factor. Review status: no assertion criteria provided (0 of 4 stars). 2 submissions from 2 submitters: Benign (1). Last evaluated 2019-10-17.

Conditions:
CILP-related disorder. Also called: CILP-related condition.
Lumbar disc disease, susceptibility to.

Allele frequency attached by ClinVar (database versions not stated): 1000 Genomes Project 0.49661; 1000 Genomes Project 30x 0.50671; gnomAD exomes 0.56236 and 0.60324; ExAC 0.56822; gnomAD 0.60467 and 0.61707; TOPMed 0.61008.
gnomAD v4.1: 925,000 of 1,534,168 alleles (60%); highest among the groups gnomAD compares: African/African-American, 64%; 285,531 homozygotes.

Submissions (2):

PreventionGenetics, part of Exact Sciences
Classification: Benign for CILP-related condition. Last evaluated: 2019-10-17. Review status: no assertion criteria provided. Collection method: clinical testing. Allele origin: germline.
Comment: This variant is classified as benign based on ACMG/AMP sequence variant interpretation guidelines (Richards et al. 2015 PMID: 25741868, with internal and published modifications).

OMIM
Classification: risk factor for LUMBAR DISC DISEASE, SUSCEPTIBILITY TO. Last evaluated: 2005-06-01. Review status: no assertion criteria provided. Collection method: literature only. Allele origin: germline.

Literature cited by the submitters: PubMed 15864306 (cited by OMIM).

NM_003613.4(CILP):c.1184T>C (p.Ile395Thr)

Gene: CILP (cartilage intermediate layer protein; minus strand). Cytogenetic location: 15q22.31.
Variant type: single nucleotide variant.
Coding change: c.1184T>C on transcript NM_003613.4 (MANE Select); coding-DNA position 1184, T replaced by C.
Protein change: p.Ile395Thr; replaces isoleucine 395 with threonine.
Molecular consequence: missense variant.
Genome position (GRCh38, 1-based): chr15:65,201,874, A>G on the plus strand (T>C on the coding strand, the complement: CILP is on the minus strand). VCF-style: chr15-65201874-A-G. GRCh37 (hg19) VCF-style: chr15-65494212-A-G.
Other names: c.1184T>C (NM_003613.3); short protein forms I395T.
Identifiers: ClinVar variation 6312 (VCV000006312.3), dbSNP rs2073711, ClinGen allele CA118128.
Genomic context (GRCh38, chr15:65,201,874, plus strand): 5'-GGGTGCTCAGCCAACCCTGTTGCAGACCCAGGGGCCCCAGGGACCCAGACAGGCTTACCT[A>G]TGACAATCAGCTGGGCAACCTTGGACTTCACAGCCCCAGCATCACTCTGGGCCTTGCAAA-3'
Protein context (NP_003604.4, residues 385-405): VKSKVAQLIV[Ile395Thr]ASDETPCNPV